The following is an entry in ClinVar:

NM_052872.4(IL17F):c.374A>G (p.Gln125Arg)

Gene: IL17F (interleukin 17F; minus strand). Cytogenetic location: 6p12.2.
Variant type: single nucleotide variant.
Coding change: c.374A>G on transcript NM_052872.4 (MANE Select); coding-DNA position 374, A replaced by G.
Protein change: p.Gln125Arg; replaces glutamine 125 with arginine.
Molecular consequence: missense variant.
Genome position (GRCh38, 1-based): chr6:52,237,049, T>C on the plus strand (A>G on the coding strand, the complement: IL17F is on the minus strand). VCF-style: chr6-52237049-T-C. GRCh37 (hg19) VCF-style: chr6-52101847-T-C.
Other names: short protein forms Q125R.
Identifiers: ClinVar variation 1038581 (VCV001038581.8), dbSNP rs1763976446, ClinGen allele CA364444544.

ClinVar aggregate classification (germline): Uncertain significance (1 of 4 stars; one submission).

Conditions:
Candidiasis, familial, 6 (CANDF6). Also called: Candidiasis, familial, 6, autosomal dominant. Identifiers: Orphanet 1334, MedGen C3151405, MONDO:0013503, OMIM 613956.

Allele frequency attached by ClinVar (database versions not stated): gnomAD exomes below 0.00001.

Submission:

Labcorp Genetics (formerly Invitae), Labcorp
Classification: Uncertain significance for Candidiasis, familial, 6. Last evaluated: 2023-10-13. Review status: criteria provided, single submitter. Criteria: Invitae Variant Classification Sherloc (09022015). Collection method: clinical testing. Allele origin: germline.
Comment: This sequence change replaces glutamine, which is neutral and polar, with arginine, which is basic and polar, at codon 125 of the IL17F protein (p.Gln125Arg). This variant is not present in population databases (gnomAD no frequency). This variant has not been reported in the literature in individuals affected with IL17F-related conditions. ClinVar contains an entry for this variant (Variation ID: 1038581). An algorithm developed to predict the effect of missense changes on protein structure and function (PolyPhen-2) suggests that this variant is likely to be disruptive. In summary, the available evidence is currently insufficient to determine the role of this variant in disease. Therefore, it has been classified as a Variant of Uncertain Significance.